The following is an entry in ClinVar:

ClinVar aggregate classification (germline): Conflicting classifications of pathogenicity. Review status: criteria provided, conflicting classifications (1 of 4 stars). 3 submissions from 3 submitters: Uncertain significance (2); Likely benign (1). Last evaluated 2026-01-25.

Conditions:
FLNA-related disorder.
Melnick-Needles syndrome (MNS). Also called: MELNICK-NEEDLES OSTEODYSPLASTY; OSTEODYSPLASTY OF MELNICK AND NEEDLES; Melnick-Needles Syndrome (FLNA-MNS). Identifiers: Orphanet 2484, MedGen C0025237, MONDO:0010650, OMIM 309350.
Frontometaphyseal dysplasia (FMD1). Identifiers: Orphanet 1826, MedGen C0265293, MONDO:0015942.
Heterotopia, periventricular, X-linked dominant (PVNH1). Also called: X-linked periventricular heterotopia; PERIVENTRICULAR NODULAR HETEROTOPIA 1; PERIVENTRICULAR NODULAR HETEROTOPIA 4; HETEROTOPIA, PERIVENTRICULAR, 1. Identifiers: Orphanet 2149, Orphanet 82004, MedGen C1848213, MONDO:0010233, OMIM 300049.
Oto-palato-digital syndrome, type II (OPD2). Also called: FACIOPALATOOSSEOUS SYNDROME; Otopalatodigital Syndrome, Type II; OPD II SYNDROME; Otopalatodigital Syndrome Type 2 (FLNA-OPD2). Identifiers: Orphanet 669, Orphanet 90652, MedGen C1844696, MONDO:0010571, OMIM 304120.

Allele frequency attached by ClinVar (database versions not stated): gnomAD 0.00001; ExAC 0.00002; gnomAD exomes 0.00002; TOPMed 0.00003.
gnomAD v4.1: 19 of 1,192,408 alleles (0.0016%); highest among the groups gnomAD compares: Non-Finnish European, 0.0021%; no homozygotes.

Submissions (3):

Labcorp Genetics (formerly Invitae), Labcorp
Classification: Likely benign for Oto-palato-digital syndrome, type II; Heterotopia, periventricular, X-linked dominant; Frontometaphyseal dysplasia; Melnick-Needles syndrome. Last evaluated: 2026-01-25. Review status: criteria provided, single submitter. Criteria: Invitae Variant Classification Sherloc (09022015). Collection method: clinical testing. Allele origin: germline.

PreventionGenetics, part of Exact Sciences
Classification: Uncertain significance for FLNA-related condition. Last evaluated: 2023-06-22. Review status: criteria provided, single submitter. Criteria: ACMG Guidelines, 2015. Collection method: clinical testing. Allele origin: germline.
Comment: The FLNA c.77C>T variant is predicted to result in the amino acid substitution p.Ala26Val. To our knowledge, this variant has not been reported in the literature. This variant is reported in 0.0016% of alleles in individuals of European (Non-Finnish) descent in gnomAD. At this time, the clinical significance of this variant is uncertain due to the absence of conclusive functional and genetic evidence.

Blueprint Genetics
Classification: Uncertain significance. Last evaluated: 2023-03-31. Review status: criteria provided, single submitter. Criteria: ACMG Guidelines, 2015. Collection method: clinical testing. Allele origin: germline.

NM_001110556.2(FLNA):c.77C>T (p.Ala26Val)

Gene: FLNA (filamin A; minus strand). Cytogenetic location: Xq28.
Variant type: single nucleotide variant.
Coding change: c.77C>T on transcript NM_001110556.2 (MANE Select); coding-DNA position 77, C replaced by T.
Protein change: p.Ala26Val; replaces alanine 26 with valine.
Molecular consequence: missense variant.
Genome position (GRCh38, 1-based): chrX:154,371,169, G>A on the plus strand (C>T on the coding strand, the complement: FLNA is on the minus strand). VCF-style: chrX-154371169-G-A. GRCh37 (hg19) VCF-style: chrX-153599537-G-A.
Other names: c.77C>T, p.Ala26Val (NM_001456.4); c.77C>T (NM_001110556.1); short protein forms A26V.
Identifiers: ClinVar variation 567888 (VCV000567888.51), dbSNP rs782637786, ClinGen allele CA10561464.